The following is an entry in ClinVar:

NM_002769.5(PRSS1):c.454+16A>T

Genes: TRB (T cell receptor beta locus; plus strand), PRSS1 (serine protease 1; plus strand). Cytogenetic location: 7q34.
Variant type: single nucleotide variant.
Coding change: c.454+16A>T on transcript NM_002769.5 (MANE Select); 16 bases into the intron after coding-DNA position 454, A replaced by T.
Molecular consequence: intron variant.
Genome position (GRCh38, 1-based): chr7:142,752,043, A>T. VCF-style: chr7-142752043-A-T. GRCh37 (hg19) VCF-style: chr7-142459894-A-T.
Identifiers: ClinVar variation 1696218 (VCV001696218.6), dbSNP rs377570765, ClinGen allele CA4529981.

ClinVar aggregate classification (germline): Benign. Review status: criteria provided, multiple submitters, no conflicts (2 of 4 stars). 2 submissions from 2 submitters: Benign (2). Last evaluated 2023-07-09.

Conditions:
Hereditary pancreatitis (PCTT). Also called: Hereditary chronic pancreatitis; PRSS1-Related Hereditary Pancreatitis. Identifiers: Orphanet 676, MedGen C0238339, MONDO:0008185, OMIM 167800.

Allele frequency attached by ClinVar (database versions not stated): ExAC 0.00013; 1000 Genomes Project 30x 0.01452.

Submissions (2):

Labcorp Genetics (formerly Invitae), Labcorp
Classification: Benign for Hereditary pancreatitis. Last evaluated: 2023-07-09. Review status: criteria provided, single submitter. Criteria: Invitae Variant Classification Sherloc (09022015). Collection method: clinical testing. Allele origin: germline.

Women's Health and Genetics/Laboratory Corporation of America, LabCorp
Classification: Benign. Last evaluated: 2022-05-18. Review status: criteria provided, single submitter. Criteria: LabCorp Variant Classification Summary - May 2015. Collection method: clinical testing. Allele origin: germline.
Comment: Variant summary: PRSS1 c.454+16A>T alters a non-conserved nucleotide located close to a canonical splice site and therefore could affect mRNA splicing, leading to a significantly altered protein sequence. 4/4 computational tools predict no significant impact on normal splicing. However, these predictions have yet to be confirmed by functional studies. The variant allele was found at a frequency of 0.011 in 265830 control chromosomes. The observed variant frequency is approximately 45 fold of the estimated maximal expected allele frequency for a pathogenic variant in PRSS1 causing Chronic Pancreatitis Risk phenotype (0.00025), strongly suggesting that the variant is benign. To our knowledge, no occurrence of c.454+16A>T in individuals affected with Chronic Pancreatitis Risk and no experimental evidence demonstrating its impact on protein function have been reported. No clinical diagnostic laboratories have submitted clinical-significance assessments for this variant to ClinVar after 2014. Based on the evidence outlined above, the variant was classified as benign.